The following is an entry in ClinVar:

ClinVar aggregate classification (germline): Uncertain significance (1 of 4 stars; one submission).

Submission:

GeneDx
Classification: Uncertain significance. Last evaluated: 2023-01-18. Review status: criteria provided, single submitter. Criteria: GeneDx Variant Classification Process June 2021. Collection method: clinical testing. Allele origin: germline. Affected: yes.
Comment: Not observed at significant frequency in large population cohorts (gnomAD); In silico analysis supports that this missense variant has a deleterious effect on protein structure/function; Has not been previously published as pathogenic or benign to our knowledge

NM_001162501.2(TNRC6B):c.2716A>T (p.Asn906Tyr)

Gene: TNRC6B (trinucleotide repeat containing adaptor 6B; plus strand). Cytogenetic location: 22q13.1.
Variant type: single nucleotide variant.
Coding change: c.2716A>T on transcript NM_001162501.2 (MANE Select); coding-DNA position 2716, A replaced by T.
Protein change: p.Asn906Tyr; replaces asparagine 906 with tyrosine.
Molecular consequence: missense variant. On other transcripts: intron variant (1).
Genome position (GRCh38, 1-based): chr22:40,266,946, A>T. VCF-style: chr22-40266946-A-T. GRCh37 (hg19) VCF-style: chr22-40662950-A-T.
Other names: c.2716A>T, p.Asn906Tyr (NM_015088.3); c.566-3176A>T (NM_001024843.2); short protein forms N906Y.
Identifiers: ClinVar variation 2573693 (VCV002573693.1), dbSNP rs2517989088, ClinGen allele CA411638629.